The following is an entry in ClinVar:

NM_003640.5(ELP1):c.2795del (p.Gln932fs)

Gene: ELP1 (elongator acetyltransferase complex subunit 1; minus strand). Cytogenetic location: 9q31.3.
Variant type: Deletion.
Coding change: c.2795del on transcript NM_003640.5 (MANE Select); coding-DNA position 2795, one base deleted (A; older notation c.2795delA).
Protein change: p.Gln932fs; shifts the reading frame from glutamine 932.
Molecular consequence: frameshift variant.
Genome position (GRCh38, 1-based): chr9:108,894,008, T deleted on the plus strand (A on the coding strand, the reverse complement: ELP1 is on the minus strand). VCF-style (leftmost placement, unchanged base first): chr9-108894007-CT-C. GRCh37 (hg19) VCF-style: chr9-111656287-CT-C.
Other names: c.2453del, p.Gln818fs (NM_001318360.2); c.1748del, p.Gln583fs (NM_001330749.2); short protein forms Q583fs, Q818fs, Q932fs.
Identifiers: ClinVar variation 1724833 (VCV001724833.2), dbSNP rs2537884383, ClinGen allele CA2580079373.

ClinVar aggregate classification (germline): Likely pathogenic (1 of 4 stars; one submission).

Conditions:
Familial dysautonomia. Also called: HSAN III; FD. Identifiers: Orphanet 1764, MedGen C0013364, MONDO:0009131, OMIM 223900. Disease mechanism: loss of function.

Submission:

Myriad Genetics, Inc.
Classification: Likely pathogenic for Familial dysautonomia. Last evaluated: 2021-11-23. Review status: criteria provided, single submitter. Criteria: Myriad Women's Health Autosomal Recessive and X-Linked Classification Criteria (2021). Collection method: clinical testing. Allele origin: unknown.
Comment: NM_003640.3(ELP1):c.2795delA(Q932Rfs*5) is expected to be pathogenic in the context of familial dysautonomia. This variant is predicted to lead to an abnormal or absent protein product due to the creation of a premature termination codon in ELP1, a gene where loss-of-function variants are known to be pathogenic. Please note: this variant was assessed in the context of healthy population screening.